The following is an entry in ClinVar:

NM_024312.5(GNPTAB):c.1791_1792insTT (p.Ile598fs)

Gene: GNPTAB (N-acetylglucosamine-1-phosphate transferase subunits alpha and beta; minus strand). Cytogenetic location: 12q23.2.
Variant type: Insertion.
Coding change: c.1791_1792insTT on transcript NM_024312.5 (MANE Select); coding-DNA positions 1791 to 1792, TT inserted.
Protein change: p.Ile598fs; shifts the reading frame from isoleucine 598.
Molecular consequence: frameshift variant.
Genome position: GRCh38 VCF-style: chr12-101765125-T-TAA. GRCh37 (hg19) VCF-style: chr12-102158903-T-TAA.
Other names: short protein forms I598fs.
Identifiers: ClinVar variation 4816137 (VCV004816137.1).
Genomic context (GRCh38, chr12:101,765,125, plus strand): 5'-GAAACGTGAGATTAAAATGTATTGTGGTGGCATTCATTCCACTGTGCATTATGAGGTGGA[T>TAA]GGTTTTCCACTTGTTGGCAATAGAAGCATGTCGAATTATTGGATTGTCACTATAGGCACC-3'

ClinVar aggregate classification (germline): Likely pathogenic (1 of 4 stars; one submission).

Conditions:
Mucolipidosis type II. Also called: ML II ALPHA/BETA; Mucolipidosis 2; ML 2; Inclusion cell disease; Leroy Disease; N-acetylglucosamine 1phosphotransferase deficiency. Identifiers: Orphanet 576, MedGen C2673377, MONDO:0009650, OMIM 252500.

Submission:

Natera, Inc.
Classification: Likely pathogenic for Mucolipidosis type II. Last evaluated: 2026-01-09. Review status: criteria provided, single submitter. Criteria: Natera Variant Classification Schema (03/2026). Collection method: clinical testing. Allele origin: germline.
Comment: The c.1791_1792insTT variant in GNPTAB is a frameshift variant predicted to shift the reading frame beginning at codon 598 and leads to a stop codon 5 codons downstream. This variant is expected to result in nonsense mediated decay, truncation, or a dysfunctional protein product. This variant is rare in the general population with a frequency below the threshold expected for the associated phenotype(s). Given the available evidence, this variant is classified as Likely Pathogenic.